The following is an entry in ClinVar:

NM_033056.4(PCDH15):c.5189T>A (p.Ile1730Asn)

Gene: PCDH15 (protocadherin related 15; minus strand). Cytogenetic location: 10q21.1.
Variant type: single nucleotide variant.
Coding change: c.5189T>A on transcript NM_033056.4 (MANE Plus Clinical); coding-DNA position 5189, T replaced by A.
Protein change: p.Ile1730Asn; replaces isoleucine 1730 with asparagine.
Molecular consequence: missense variant. On other transcripts: intron variant (8).
Genome position (GRCh38, 1-based): chr10:53,822,537, A>T on the plus strand (T>A on the coding strand, the complement: PCDH15 is on the minus strand). VCF-style: chr10-53822537-A-T. GRCh37 (hg19) VCF-style: chr10-55582297-A-T.
Other names: c.5210T>A, p.Ile1737Asn (NM_001142763.2); c.5195T>A, p.Ile1732Asn (NM_001142764.2); c.4982T>A, p.Ile1661Asn (NM_001142765.2); c.5180T>A, p.Ile1727Asn (NM_001142766.2); c.5069T>A, p.Ile1690Asn (NM_001142767.2); c.5129T>A, p.Ile1710Asn (NM_001142768.2); c.5120T>A, p.Ile1707Asn (NM_001142773.2); c.5123T>A, p.Ile1708Asn (NM_001354404.2); and 7 more; short protein forms I1730N, I1690N, I1708N, I1661N, I1707N, I1710N, I1727N, I1737N.
Identifiers: ClinVar variation 164904 (VCV000164904.9), dbSNP rs727503364, ClinGen allele CA177585.

ClinVar aggregate classification (germline): Conflicting classifications of pathogenicity. Review status: criteria provided, conflicting classifications (1 of 4 stars). 3 submissions from 3 submitters: Uncertain significance (2); Likely benign (1). Last evaluated 2023-06-29.

Conditions:
Inborn genetic diseases. Identifiers: MedGen C0950123, MeSH D030342.

Allele frequency attached by ClinVar (database versions not stated): ExAC 0.00002; TOPMed 0.00004; gnomAD exomes 0.00002 and 0.00001; gnomAD 0.00004.
gnomAD v4.1: 20 of 1,613,768 alleles (0.0012%); highest among the groups gnomAD compares: East Asian, 0.042%; no homozygotes.

Submissions (3):

Ambry Genetics
Classification: Uncertain significance for Inborn genetic diseases. Last evaluated: 2023-06-29. Review status: criteria provided, single submitter. Criteria: Ambry Variant Classification Scheme 2023. Collection method: clinical testing. Allele origin: germline.

Labcorp Genetics (formerly Invitae), Labcorp
Classification: Uncertain significance. Last evaluated: 2021-08-26. Review status: criteria provided, single submitter. Criteria: Invitae Variant Classification Sherloc (09022015). Collection method: clinical testing. Allele origin: germline.
Comment: This sequence change replaces isoleucine with asparagine at codon 1730 of the PCDH15 protein (p.Ile1730Asn). The isoleucine residue is weakly conserved and there is a large physicochemical difference between isoleucine and asparagine. This variant is present in population databases (rs727503364, ExAC 0.02%). This variant has not been reported in the literature in individuals affected with PCDH15-related conditions. ClinVar contains an entry for this variant (Variation ID: 164904). Algorithms developed to predict the effect of missense changes on protein structure and function output the following: SIFT: "Deleterious"; PolyPhen-2: "Benign"; Align-GVGD: "Class C0". The asparagine amino acid residue is found in multiple mammalian species, which suggests that this missense change does not adversely affect protein function. In summary, the available evidence is currently insufficient to determine the role of this variant in disease. Therefore, it has been classified as a Variant of Uncertain Significance.

Laboratory for Molecular Medicine, Mass General Brigham Personalized Medicine
Classification: Likely benign. Last evaluated: 2014-06-10. Review status: criteria provided, single submitter. Criteria: LMM Criteria. Collection method: clinical testing. Allele origin: germline. Observed: 1 variant allele.
Comment: Ile1730Asn in exon 33 of PCDH15: This variant is not expected to have clinical s ignificance due to a lack of conservation across species, including mammals. Of note, bushbaby, mole-rate, and guinea pig have an asparagine (Asn) at this posi tion despite high nearby amino acid conservation. In addition, other computatio nal prediction tools do not suggest a high likelihood of impact to the protein.